The following is an entry in ClinVar:

ClinVar aggregate classification (germline): Pathogenic/Likely pathogenic. Review status: criteria provided, multiple submitters, no conflicts (2 of 4 stars). 5 submissions from 5 submitters: Pathogenic (3); Likely pathogenic (1). 1 of the submissions does not count toward it. Last evaluated 2025-10-02.

Conditions:
Nephrogenic diabetes insipidus. Identifiers: Orphanet 223, MedGen C0162283, MONDO:0016383, HP:0009806.
Diabetes insipidus, nephrogenic, autosomal (NDI2). Also called: Diabetes insipidus, nephrogenic, 2, autosomal; Nephrogenic Diabetes Insipidus, Type II. Identifiers: Orphanet 223, MedGen C1563706, MONDO:0007451, OMIM 125800.

Allele frequency attached by ClinVar (database versions not stated): gnomAD exomes below 0.00001 and 0.00002; TOPMed 0.00001; ExAC 0.00003.
gnomAD v4.1: 4 of 1,614,136 alleles (0.00025%); highest among the groups gnomAD compares: East Asian, 0.0067%; no homozygotes.

Submissions (5):

Natera, Inc.
Classification: Pathogenic for Nephrogenic diabetes insipidus. Last evaluated: 2025-10-02. Review status: criteria provided, single submitter. Criteria: Natera Variant Classification Schema (03/2026). Collection method: clinical testing. Allele origin: germline.
Comment: The c.170A>C variant in AQP2 is a missense variant predicted to cause substitution of glutamine to proline at amino acid 57. This variant is rare in the general population with a frequency below the threshold expected for the associated phenotype(s). This variant has been observed in one or more individuals affected with the associated recessive disease, as either homozygous or compound heterozygous with a second variant (PMID: 12050236, 28476225). Additionally, this variant has been observed to segregate in affected family members (PMID: 12050236). Functional studies show that this variant may disrupt protein function (PMID: 12050236). Computational prediction algorithms indicate this variant is likely to affect gene or protein function. Given the available evidence, this variant is classified as Pathogenic.

Revvity Omics, Revvity
Classification: Pathogenic for Diabetes insipidus, nephrogenic, autosomal. Last evaluated: 2024-10-09. Review status: criteria provided, single submitter. Criteria: ACMG Guidelines, 2015. Collection method: clinical testing. Allele origin: germline.

Fulgent Genetics
Classification: Likely pathogenic for Diabetes insipidus, nephrogenic, autosomal. Last evaluated: 2024-02-01. Review status: criteria provided, single submitter. Criteria: ACMG Guidelines, 2015. Collection method: clinical testing. Allele origin: germline.

Labcorp Genetics (formerly Invitae), Labcorp
Classification: Pathogenic. Last evaluated: 2024-01-20. Review status: criteria provided, single submitter. Criteria: Invitae Variant Classification Sherloc (09022015). Collection method: clinical testing. Allele origin: germline.
Comment: This sequence change replaces glutamine, which is neutral and polar, with proline, which is neutral and non-polar, at codon 57 of the AQP2 protein (p.Gln57Pro). This variant is present in population databases (rs28931580, gnomAD 0.03%). This missense change has been observed in individual(s) with autosomal recessive nephrogenic diabetes insipidus (PMID: 12050236). It has also been observed to segregate with disease in related individuals. ClinVar contains an entry for this variant (Variation ID: 17842). Advanced modeling of protein sequence and biophysical properties (such as structural, functional, and spatial information, amino acid conservation, physicochemical variation, residue mobility, and thermodynamic stability) performed at Invitae indicates that this missense variant is expected to disrupt AQP2 protein function with a positive predictive value of 80%. Experimental studies have shown that this missense change affects AQP2 function (PMID: 12050236). For these reasons, this variant has been classified as Pathogenic.

OMIM
Classification: Pathogenic for DIABETES INSIPIDUS, NEPHROGENIC, 2, AUTOSOMAL RECESSIVE. Last evaluated: 2002-06-01. Review status: no assertion criteria provided. Collection method: literature only. Allele origin: germline. Not counted in ClinVar's aggregate classification.

Literature cited by the submitters: PubMed 12050236 (cited by 3 submitters); PubMed 28476225 (cited by Natera, Inc.).

NM_000486.6(AQP2):c.170A>C (p.Gln57Pro)

Gene: AQP2 (aquaporin 2; plus strand). Cytogenetic location: 12q13.12.
Variant type: single nucleotide variant.
Coding change: c.170A>C on transcript NM_000486.6 (MANE Select); coding-DNA position 170, A replaced by C.
Protein change: p.Gln57Pro; replaces glutamine 57 with proline.
Molecular consequence: missense variant.
Genome position (GRCh38, 1-based): chr12:49,951,000, A>C. VCF-style: chr12-49951000-A-C. GRCh37 (hg19) VCF-style: chr12-50344783-A-C.
Other names: short protein forms Q57P.
Identifiers: ClinVar variation 17842 (VCV000017842.17), dbSNP rs28931580, ClinGen allele CA127486.
Genomic context (GRCh38, chr12:49,951,000, plus strand): 5'-CCCTGCCCTCTGTGCTACAGATTGCCATGGCGTTTGGCTTGGGTATTGGCACCCTGGTAC[A>C]GGCTCTGGGCCACATAAGCGGGGCCCACATCAACCCTGCCGTGACTGTGGCCTGCCTGGT-3'
Protein context (NP_000477.1, residues 47-67): AFGLGIGTLV[Gln57Pro]ALGHISGAHI